The following is an entry in ClinVar:

ClinVar aggregate classification (germline): Conflicting classifications of pathogenicity. Review status: criteria provided, conflicting classifications (1 of 4 stars). 2 submissions from 2 submitters: Uncertain significance (1); Likely benign (1). Last evaluated 2026-04-07.

Conditions:
Cardiovascular phenotype. Identifiers: MedGen CN230736.
Capillary malformation-arteriovenous malformation syndrome. Also called: Capillary malformation-arteriovenous malformation. Identifiers: Orphanet 137667, MedGen C1842180, MONDO:0012016.

Allele frequency attached by ClinVar (database versions not stated): gnomAD 0.00001; TOPMed 0.00002; ExAC 0.00001; gnomAD exomes 0.00004 and 0.00001; ESP Exome Variant Server 0.00008.

Submissions (2):

Ambry Genetics
Classification: Likely benign for Cardiovascular phenotype. Last evaluated: 2026-04-07. Review status: criteria provided, single submitter. Criteria: Ambry Variant Classification Scheme 2023. Collection method: clinical testing. Allele origin: germline.

Labcorp Genetics (formerly Invitae), Labcorp
Classification: Uncertain significance for Capillary malformation-arteriovenous malformation syndrome. Last evaluated: 2025-07-18. Review status: criteria provided, single submitter. Criteria: Invitae Variant Classification Sherloc (09022015). Collection method: clinical testing. Allele origin: germline.
Comment: This sequence change replaces leucine, which is neutral and non-polar, with phenylalanine, which is neutral and non-polar, at codon 150 of the RASA1 protein (p.Leu150Phe). This variant is present in population databases (rs370782901, gnomAD 0.002%). This variant has not been reported in the literature in individuals affected with RASA1-related conditions. ClinVar contains an entry for this variant (Variation ID: 846207). An algorithm developed to predict the effect of missense changes on protein structure and function (PolyPhen-2) suggests that this variant is likely to be disruptive. In summary, the available evidence is currently insufficient to determine the role of this variant in disease. Therefore, it has been classified as a Variant of Uncertain Significance.

NM_002890.3(RASA1):c.448C>T (p.Leu150Phe)

Gene: RASA1 (RAS p21 protein activator 1; plus strand). Cytogenetic location: 5q14.3.
Variant type: single nucleotide variant.
Coding change: c.448C>T on transcript NM_002890.3 (MANE Select); coding-DNA position 448, C replaced by T.
Protein change: p.Leu150Phe; replaces leucine 150 with phenylalanine.
Molecular consequence: missense variant.
Genome position (GRCh38, 1-based): chr5:87,268,899, C>T. VCF-style: chr5-87268899-C-T. GRCh37 (hg19) VCF-style: chr5-86564716-C-T.
Other names: short protein forms L150F.
Identifiers: ClinVar variation 846207 (VCV000846207.10), dbSNP rs370782901, ClinGen allele CA3335437.
Genomic context (GRCh38, chr5:87,268,899, plus strand): 5'-CCAGGCGGCGGTTTTCCCCCTCTGCCCCCTCCCCCTTACCTGCCCCCTTTGGGGGCGGGC[C>T]TCGGGACAGTGGACGAAGGTGACTCTCTGGATGGACCAGAATACGAGGAGGAAGAGGTGG-3'
Protein context (NP_002881.1, residues 140-160): PPYLPPLGAG[Leu150Phe]GTVDEGDSLD